The following is an entry in ClinVar:

ClinVar aggregate classification (germline): Uncertain significance. Review status: criteria provided, multiple submitters, no conflicts (2 of 4 stars). 2 submissions from 2 submitters: Uncertain significance (2). Last evaluated 2024-09-18.

Conditions:
Muscular dystrophy-dystroglycanopathy type B6 (MDDGB6). Also called: MUSCULAR DYSTROPHY-DYSTROGLYCANOPATHY (CONGENITAL WITH IMPAIRED INTELLECTUAL DEVELOPMENT), TYPE B, 6; MUSCULAR DYSTROPHY, CONGENITAL, LARGE-RELATED; MUSCULAR DYSTROPHY, CONGENITAL, TYPE 1D. Identifiers: MedGen C1837229, MONDO:0012138, OMIM 608840.

Allele frequency attached by ClinVar (database versions not stated): gnomAD 0.00003 and 0.00004; ExAC 0.00004; gnomAD exomes 0.00004 and 0.00005; TOPMed 0.00005.
gnomAD v4.1: 74 of 1,613,864 alleles (0.0046%); highest among the groups gnomAD compares: Non-Finnish European, 0.0054%; no homozygotes.

Submissions (2):

Revvity Omics, Revvity
Classification: Uncertain significance. Last evaluated: 2024-09-18. Review status: criteria provided, single submitter. Criteria: ACMG Guidelines, 2015. Collection method: clinical testing. Allele origin: germline.

Labcorp Genetics (formerly Invitae), Labcorp
Classification: Uncertain significance for Muscular dystrophy-dystroglycanopathy type B6. Last evaluated: 2022-03-18. Review status: criteria provided, single submitter. Criteria: Invitae Variant Classification Sherloc (09022015). Collection method: clinical testing. Allele origin: germline.
Comment: This sequence change replaces arginine, which is basic and polar, with glutamine, which is neutral and polar, at codon 308 of the LARGE1 protein (p.Arg308Gln). This variant is present in population databases (rs773959791, gnomAD 0.01%). This variant has not been reported in the literature in individuals affected with LARGE1-related conditions. ClinVar contains an entry for this variant (Variation ID: 651072). Algorithms developed to predict the effect of missense changes on protein structure and function are either unavailable or do not agree on the potential impact of this missense change (SIFT: "Deleterious"; PolyPhen-2: "Probably Damaging"; Align-GVGD: "Class C0"). In summary, the available evidence is currently insufficient to determine the role of this variant in disease. Therefore, it has been classified as a Variant of Uncertain Significance.

NM_133642.5(LARGE1):c.923G>A (p.Arg308Gln)

Gene: LARGE1 (LARGE xylosyl- and glucuronyltransferase 1; minus strand). Cytogenetic location: 22q12.3.
Variant type: single nucleotide variant.
Coding change: c.923G>A on transcript NM_133642.5 (MANE Select); coding-DNA position 923, G replaced by A.
Protein change: p.Arg308Gln; replaces arginine 308 with glutamine.
Molecular consequence: missense variant.
Genome position (GRCh38, 1-based): chr22:33,384,274, C>T on the plus strand (G>A on the coding strand, the complement: LARGE1 is on the minus strand). VCF-style: chr22-33384274-C-T. GRCh37 (hg19) VCF-style: chr22-33780260-C-T.
Other names: c.923G>A (NM_004737.6); c.923G>A, p.Arg308Gln (NM_001362949.2, NM_001362951.2, NM_001362953.2 and 7 more transcripts); c.320G>A, p.Arg107Gln (NM_001378630.1, NM_001378631.1); short protein forms R308Q, R107Q.
Identifiers: ClinVar variation 651072 (VCV000651072.5), dbSNP rs773959791, ClinGen allele CA10202906.
Genomic context (GRCh38, chr22:33,384,274, plus strand): 5'-AGCATGCCCATGAGCTCCCTCTCTGCGGTCAGCCTCCACATCTGCTCCCATTTCATCTTC[C>T]GCAGCTTATCCAGAAGTAACAGGATCACCCCTGGGCAACAGCACAGGATAAAAGAGAAAA-3'
Protein context (NP_598397.1, residues 298-318): GVILLLLDKL[Arg308Gln]KMKWEQMWRL